The following is an entry in ClinVar:

ClinVar aggregate classification (germline): Uncertain significance (1 of 4 stars; one submission).

Conditions:
Hypertrophic cardiomyopathy. Also called: HYPERTROPHIC MYOCARDIOPATHY. Identifiers: Orphanet 217569, MedGen C0007194, MeSH D002312, MONDO:0005045, HP:0001639.

Submission:

Labcorp Genetics (formerly Invitae), Labcorp
Classification: Uncertain significance for Hypertrophic cardiomyopathy. Last evaluated: 2025-06-04. Review status: criteria provided, single submitter. Criteria: Invitae Variant Classification Sherloc (09022015). Collection method: clinical testing. Allele origin: germline.
Comment: This sequence change replaces lysine, which is basic and polar, with glutamic acid, which is acidic and polar, at codon 29 of the TPM1 protein (p.Lys29Glu). This variant is present in population databases (no rsID available, gnomAD 0.009%). This variant has not been reported in the literature in individuals affected with TPM1-related conditions. An algorithm developed to predict the effect of missense changes on protein structure and function (PolyPhen-2) suggests that this variant is likely to be disruptive. In summary, the available evidence is currently insufficient to determine the role of this variant in disease. Therefore, it has been classified as a Variant of Uncertain Significance.

NM_001018005.2(TPM1):c.85A>G (p.Lys29Glu)

Gene: TPM1 (tropomyosin 1; plus strand). Cytogenetic location: 15q22.2.
Variant type: single nucleotide variant.
Coding change: c.85A>G on transcript NM_001018005.2 (MANE Select); coding-DNA position 85, A replaced by G.
Protein change: p.Lys29Glu; replaces lysine 29 with glutamic acid.
Molecular consequence: missense variant. On other transcripts: non-coding transcript variant (11).
Genome position (GRCh38, 1-based): chr15:63,042,914, A>G. VCF-style: chr15-63042914-A-G. GRCh37 (hg19) VCF-style: chr15-63335113-A-G.
Other names: c.85A>G, p.Lys29Glu (NM_000366.6, NM_001018004.2, NM_001018006.2 and 24 more transcripts); short protein forms K29E.
Identifiers: ClinVar variation 4748362 (VCV004748362.1).
Genomic context (GRCh38, chr15:63,042,914, plus strand): 5'-CAGATGCTGAAGCTCGACAAGGAGAACGCCTTGGATCGAGCTGAGCAGGCGGAGGCCGAC[A>G]AGAAGGCGGCGGAAGACAGGAGCAAGCAGGTCTGCGCCTCCCCGGCCCTGCGCCCGCGCC-3'
Protein context (NP_001018005.1, residues 19-39): LDRAEQAEAD[Lys29Glu]KAAEDRSKQL